The following is an entry in ClinVar:

NM_001378457.1(DMXL2):c.4878G>C (p.Gln1626His)

Gene: DMXL2 (Dmx like 2; minus strand). Cytogenetic location: 15q21.2.
Variant type: single nucleotide variant.
Coding change: c.4878G>C on transcript NM_001378457.1 (MANE Select); coding-DNA position 4878, G replaced by C.
Protein change: p.Gln1626His; replaces glutamine 1626 with histidine.
Molecular consequence: missense variant. On other transcripts: non-coding transcript variant (2).
Genome position (GRCh38, 1-based): chr15:51,491,653, C>G on the plus strand (G>C on the coding strand, the complement: DMXL2 is on the minus strand). VCF-style: chr15-51491653-C-G. GRCh37 (hg19) VCF-style: chr15-51783850-C-G.
Other names: c.4878G>C, p.Gln1626His (NM_001174116.3, NM_001378458.1, NM_001378459.1 and 4 more transcripts); c.2970G>C, p.Gln990His (NM_001174117.3); c.2859G>C, p.Gln953His (NM_001378460.1); c.4638G>C, p.Gln1546His (NM_001378464.1); short protein forms Q1546H, Q1626H, Q953H, Q990H.
Identifiers: ClinVar variation 3898403 (VCV003898403.7).

ClinVar aggregate classification (germline): Uncertain significance (1 of 4 stars; one submission).

gnomAD v4.1: 17 of 1,613,628 alleles (0.0011%); highest among the groups gnomAD compares: East Asian, 0.011%; no homozygotes.

Submission:

CeGaT Center for Human Genetics Tuebingen
Classification: Uncertain significance. Last evaluated: 2025-04-01. Review status: criteria provided, single submitter. Criteria: CeGaT Center For Human Genetics Tuebingen Variant Classification Criteria Version 2. Collection method: clinical testing. Allele origin: germline. Affected: yes. Observed: 1 variant allele.
Comment: DMXL2: PM2